The following is an entry in ClinVar:

NM_018136.5(ASPM):c.3776G>A (p.Arg1259Lys)

Gene: ASPM (assembly factor for spindle microtubules; minus strand). Cytogenetic location: 1q31.3.
Variant type: single nucleotide variant.
Coding change: c.3776G>A on transcript NM_018136.5 (MANE Select); coding-DNA position 3776, G replaced by A.
Protein change: p.Arg1259Lys; replaces arginine 1259 with lysine.
Molecular consequence: missense variant.
Genome position (GRCh38, 1-based): chr1:197,122,009, C>T on the plus strand (G>A on the coding strand, the complement: ASPM is on the minus strand). VCF-style: chr1-197122009-C-T. GRCh37 (hg19) VCF-style: chr1-197091139-C-T.
Other names: c.3776G>A, p.Arg1259Lys (NM_001206846.2); short protein forms R1259K.
Identifiers: ClinVar variation 210354 (VCV000210354.16), dbSNP rs199874115, ClinGen allele CA209795.

ClinVar aggregate classification (germline): Uncertain significance. Review status: criteria provided, multiple submitters, no conflicts (2 of 4 stars). 6 submissions from 6 submitters: Uncertain significance (5). 1 of the submissions does not count toward it. Last evaluated 2024-09-12.

Conditions:
Inborn genetic diseases. Identifiers: MedGen C0950123, MeSH D030342.
Microcephaly 5, primary, autosomal recessive (MCPH5). Also called: ASPM Primary Microcephaly. Identifiers: Orphanet 2512, MedGen C1837501, MONDO:0012106, OMIM 608716.
Intellectual disability. Also called: Intellectual functioning disability; Intellectual developmental disorder; intellectual disabilities. Identifiers: MedGen C3714756, MeSH D008607, MONDO:0001071, HP:0001249.

Allele frequency attached by ClinVar (database versions not stated): gnomAD 0.00003 and 0.00002; 1000 Genomes Project 0.00020; gnomAD exomes 0.00003; ExAC 0.00002; 1000 Genomes Project 30x 0.00016; TOPMed 0.00005.
gnomAD v4.1: 101 of 1,612,276 alleles (0.0063%); highest among the groups gnomAD compares: Non-Finnish European, 0.0082%; no homozygotes.

Submissions (6):

Ambry Genetics
Classification: Uncertain significance for Inborn genetic diseases. Last evaluated: 2024-09-12. Review status: criteria provided, single submitter. Criteria: Ambry Variant Classification Scheme 2023. Collection method: clinical testing. Allele origin: germline.

Genome-Nilou Lab
Classification: Uncertain significance for Microcephaly 5, primary, autosomal recessive. Last evaluated: 2023-04-11. Review status: criteria provided, single submitter. Criteria: ACMG Guidelines, 2015. Collection method: clinical testing. Allele origin: germline. Affected: no.

Labcorp Genetics (formerly Invitae), Labcorp
Classification: Uncertain significance. Last evaluated: 2022-08-16. Review status: criteria provided, single submitter. Criteria: Invitae Variant Classification Sherloc (09022015). Collection method: clinical testing. Allele origin: germline.
Comment: This sequence change replaces arginine, which is basic and polar, with lysine, which is basic and polar, at codon 1259 of the ASPM protein (p.Arg1259Lys). This variant is present in population databases (rs199874115, gnomAD 0.006%). This variant has not been reported in the literature in individuals affected with ASPM-related conditions. ClinVar contains an entry for this variant (Variation ID: 210354). Algorithms developed to predict the effect of missense changes on protein structure and function are either unavailable or do not agree on the potential impact of this missense change (SIFT: "Deleterious"; PolyPhen-2: "Probably Damaging"; Align-GVGD: "Class C0"). Algorithms developed to predict the effect of sequence changes on RNA splicing suggest that this variant may disrupt the consensus splice site. In summary, the available evidence is currently insufficient to determine the role of this variant in disease. Therefore, it has been classified as a Variant of Uncertain Significance.

Illumina Laboratory Services, Illumina
Classification: Uncertain significance for Microcephaly 5, primary, autosomal recessive. Last evaluated: 2018-01-13. Review status: criteria provided, single submitter. Criteria: ICSL Variant Classification Criteria 13 December 2019. Collection method: clinical testing. Allele origin: germline.

Genetic Services Laboratory, University of Chicago
Classification: Uncertain significance. Last evaluated: 2015-01-16. Review status: criteria provided, single submitter. Criteria: ACMG Guidelines, 2015. Collection method: clinical testing. Allele origin: germline.

Centre de Biologie Pathologie Génétique, Centre Hospitalier Universitaire de Lille
Classification: Uncertain significance for Intellectual disability. Last evaluated: 2019-01-01. Review status: no assertion criteria provided. Collection method: clinical testing. Allele origin: unknown. Affected: yes. Not counted in ClinVar's aggregate classification.